The following is an entry in ClinVar:

NM_001258392.3(CLPB):c.1318C>A (p.Leu440Met)

Genes: CLPB (ClpB family mitochondrial disaggregase; minus strand), LOC126861258 (MED14-independent group 3 enhancer GRCh37_chr11:72012242-72013441; plus strand). Cytogenetic location: 11q13.4.
Variant type: single nucleotide variant.
Coding change: c.1318C>A on transcript NM_001258392.3 (MANE Select); coding-DNA position 1318, C replaced by A.
Protein change: p.Leu440Met; replaces leucine 440 with methionine.
Molecular consequence: missense variant.
Genome position (GRCh38, 1-based): chr11:72,301,814, G>T on the plus strand (C>A on the coding strand, the complement: CLPB is on the minus strand). VCF-style: chr11-72301814-G-T. GRCh37 (hg19) VCF-style: chr11-72012858-G-T.
Other names: c.1231C>A, p.Leu411Met (NM_001258393.3); c.1273C>A, p.Leu425Met (NM_001258394.3); c.1408C>A, p.Leu470Met (NM_030813.6); short protein forms L411M, L425M, L440M, L470M.
Identifiers: ClinVar variation 3376825 (VCV003376825.1).

ClinVar aggregate classification (germline): Uncertain significance (1 of 4 stars; one submission).

Conditions:
3-methylglutaconic aciduria, type VIIA. Also called: 3-METHYLGLUTACONIC ACIDURIA WITH NEUROLOGIC INVOLVEMENT AND NEUTROPENIA, AUTOSOMAL DOMINANT. Identifiers: MedGen C5676967, MONDO:0859237, OMIM 619835.

Submission:

Victorian Clinical Genetics Services, Murdoch Childrens Research Institute
Classification: Uncertain significance for 3-methylglutaconic aciduria, type VIIA. Last evaluated: 2024-09-21. Review status: criteria provided, single submitter. Criteria: ACMG Guidelines, 2015. Collection method: clinical testing. Allele origin: germline. Inheritance: Autosomal dominant inheritance. Affected: yes.
Comment: Based on the classification scheme VCGS_Germline_v1.3.4, this variant is classified as VUS-3A. Following criteria are met: 0103 - Dominant negative and loss of function are known mechanisms of disease in this gene. Missense and premature termination codon variants in this gene causing loss of function are associated with autosomal recessive 3-methylglutaconic aciduria, type VIIB (MIM#616271) (PMID: 25597510). Missense variants in the AAA domain causing a dominant negative effect are associated with autosomal dominant 3-methylglutaconic aciduria, type VIIA (MIM#619835) and autosomal dominant severe congenital neutropenia 9 (MIM#619813) (PMIDs: 34140661, 34115842). (I) 0108 - This gene is associated with both recessive and dominant disease (OMIM, PMIDs: 25597510, 34140661). (I) 0115 - Variants in this gene are known to have variable expressivity. 3-methylglutaconic aciduria is typically associated with a severe infantile onset phenotype with progressive encephalopathy and delayed development, although rare patients with normal neurologic development have been reported (PMIDs: 25597510, 34140661). Individuals with severe congenital neutropenia present with isolated severe neutropenia with few, if any, of the non-hematopoietic features associated with the above conditions, including the 3-MGA-uria biomarker (PMID: 34115842). (I) 0200 - Variant is predicted to result in a missense amino acid change from leucine to methionine. (I) 0251 - This variant is heterozygous. (I) 0301 - Variant is absent from gnomAD (both v2 and v3). (SP) 0502 - Missense variant with conflicting in silico predictions and high conservation. (I) 0603 - Missense variant in a region that is highly intolerant to missense variation within the AAA domain (high constraint region in DECIPHER). (SP) 0705 - No comparable missense variants have previous evidence for pathogenicity. (I) 0807 - This variant has no previous evidence of pathogenicity. (I) 0905 - No published segregation evidence has been identified for this variant. (I) 1007 - No published functional evidence has been identified for this variant. (SP) Legend: (SP) - Supporting pathogenic, (I) - Information, (SB) - Supporting benign

Literature cited by the submitters: PubMed 25597510; PubMed 34115842; PubMed 34140661.